The following is an entry in ClinVar:

ClinVar aggregate classification (germline): Uncertain significance (1 of 4 stars; one submission).

Conditions:
Lethal congenital glycogen storage disease of heart. Also called: GLYCOGEN STORAGE DISEASE OF HEART; PHOSPHORYLASE KINASE DEFICIENCY OF HEART. Identifiers: Orphanet 439854, MedGen C1849813, MONDO:0009867, OMIM 261740.

Submission:

Labcorp Genetics (formerly Invitae), Labcorp
Classification: Uncertain significance for Lethal congenital glycogen storage disease of heart. Last evaluated: 2017-11-27. Review status: criteria provided, single submitter. Criteria: Invitae Variant Classification Sherloc (09022015). Collection method: clinical testing. Allele origin: germline.
Comment: In summary, the available evidence is currently insufficient to determine the role of this variant in disease. Therefore, it has been classified as a Variant of Uncertain Significance. This variant has not been reported in the literature in individuals with PRKAG2-related disease. This variant is a gross duplication of the genomic region encompassing exons 2-4 of the PRKAG2 gene. While the exact position of the duplicated exons cannot be determined from this data, sub-genic duplications are generally in tandem (PMID: 25640679). This duplication would be expected to be in-frame, preserving the integrity of the reading frame. Experimental studies and prediction algorithms are not available for this variant, and the functional significance of the duplicated amino acids is currently unknown.

Literature cited by the submitters: PubMed 25640679.

NC_000007.13:g.(?_151372486)_(151483647_?)dup

Genes: PRKAG2 (protein kinase AMP-activated non-catalytic subunit gamma 2; minus strand), LOC110121276 (VISTA enhancer hs2193; plus strand), LOC110121279 (VISTA enhancer hs2200; plus strand), LOC110121278 (VISTA enhancer hs2199; plus strand), LOC129999663 (ATAC-STARR-seq lymphoblastoid silent region 18824; plus strand) and 3 more. Cytogenetic location: 7q36.1.
Variant type: Duplication.
Identifiers: ClinVar variation 533890 (VCV000533890.9).